The following is an entry in ClinVar:

NM_000243.3(MEFV):c.1991C>T (p.Ala664Val)

Genes: MEFV (MEFV innate immunity regulator, pyrin; minus strand), LOC126862264 (CDK7 strongly-dependent group 2 enhancer GRCh37_chr16:3293322-3294521; plus strand). Cytogenetic location: 16p13.3.
Variant type: single nucleotide variant.
Coding change: c.1991C>T on transcript NM_000243.3 (MANE Select); coding-DNA position 1991, C replaced by T.
Protein change: p.Ala664Val; replaces alanine 664 with valine.
Molecular consequence: missense variant. On other transcripts: 3 prime UTR variant (1).
Genome position (GRCh38, 1-based): chr16:3,243,496, G>A on the plus strand (C>T on the coding strand, the complement: MEFV is on the minus strand). VCF-style: chr16-3243496-G-A. GRCh37 (hg19) VCF-style: chr16-3293496-G-A.
Other names: c.*195C>T (NM_001198536.2); short protein forms A664V.
Identifiers: ClinVar variation 1522096 (VCV001522096.8), dbSNP rs2141664988, ClinGen allele CA394487097.

ClinVar aggregate classification (germline): Uncertain significance (1 of 4 stars; one submission).

Conditions:
Familial Mediterranean fever (FMF). Also called: POLYSEROSITIS, FAMILIAL PAROXYSMAL; POLYSEROSITIS, RECURRENT; Periodic peritonitis; Benign paroxysmal peritonitis. Identifiers: Orphanet 342, MedGen C0031069, MONDO:0018088, OMIM 249100. Disease mechanism: gain of function.

Allele frequency attached by ClinVar (database versions not stated): gnomAD exomes below 0.00001.
gnomAD v4.1: 1 of 1,614,062 alleles (0.000062%); highest among the groups gnomAD compares: Admixed American, 0.0017%; no homozygotes.

Submission:

Labcorp Genetics (formerly Invitae), Labcorp
Classification: Uncertain significance for Familial Mediterranean fever. Last evaluated: 2022-11-15. Review status: criteria provided, single submitter. Criteria: Invitae Variant Classification Sherloc (09022015). Collection method: clinical testing. Allele origin: germline.
Comment: Algorithms developed to predict the effect of missense changes on protein structure and function output the following: SIFT: "Tolerated"; PolyPhen-2: "Benign"; Align-GVGD: "Class C0". The valine amino acid residue is found in multiple mammalian species, which suggests that this missense change does not adversely affect protein function. In summary, the available evidence is currently insufficient to determine the role of this variant in disease. Therefore, it has been classified as a Variant of Uncertain Significance. ClinVar contains an entry for this variant (Variation ID: 1522096). This sequence change replaces alanine, which is neutral and non-polar, with valine, which is neutral and non-polar, at codon 664 of the MEFV protein (p.Ala664Val). This variant is not present in population databases (gnomAD no frequency). This variant has not been reported in the literature in individuals affected with MEFV-related conditions.